The following is an entry in ClinVar:

NM_006206.6(PDGFRA):c.402G>A (p.Thr134=)

Gene: PDGFRA (platelet derived growth factor receptor alpha; plus strand). Cytogenetic location: 4q12.
Variant type: single nucleotide variant.
Coding change: c.402G>A on transcript NM_006206.6 (MANE Select); coding-DNA position 402, G replaced by A.
Protein change: p.Thr134=; no amino-acid change (threonine 134 retained).
Molecular consequence: synonymous variant.
Genome position (GRCh38, 1-based): chr4:54,263,701, G>A. VCF-style: chr4-54263701-G-A. GRCh37 (hg19) VCF-style: chr4-55129868-G-A.
Other names: c.402G>A, p.Thr134= (NM_001347827.2, NM_001347829.2); c.477G>A, p.Thr159= (NM_001347828.2); c.441G>A, p.Thr147= (NM_001347830.2).
Identifiers: ClinVar variation 459098 (VCV000459098.14), dbSNP rs763793552, ClinGen allele CA2922282.

ClinVar aggregate classification (germline): Benign/Likely benign. Review status: criteria provided, multiple submitters, no conflicts (2 of 4 stars). 3 submissions from 3 submitters: Benign (1); Likely benign (2). Last evaluated 2026-06-16.

Conditions:
Polyps, multiple and recurrent inflammatory fibroid, gastrointestinal. Identifiers: MedGen C5193005, MONDO:0008285, OMIM 175510.
Hereditary cancer-predisposing syndrome. Also called: Tumor predisposition; Hereditary neoplastic syndrome; Neoplastic Syndromes, Hereditary; Hereditary Cancer Syndrome. Identifiers: Orphanet 140162, MedGen C0027672, MeSH D009386, MONDO:0015356.
Gastrointestinal stromal tumor. Also called: Gastrointestinal stroma tumor; Gastrointestinal stromal tumor, somatic. Identifiers: Orphanet 44890, MedGen C0238198, MeSH D046152, MONDO:0011719, OMIM 606764, HP:0100723.

Allele frequency attached by ClinVar (database versions not stated): gnomAD exomes below 0.00001 and 0.00002; gnomAD 0.00001 and 0.00002; ExAC 0.00002; TOPMed 0.00002.
gnomAD v4.1: 35 of 1,613,612 alleles (0.0022%); highest among the groups gnomAD compares: South Asian, 0.0033%; no homozygotes.

Submissions (3):

Myriad Genetics, Inc.
Classification: Benign for Polyps, multiple and recurrent inflammatory fibroid, gastrointestinal. Last evaluated: 2026-06-16. Review status: criteria provided, single submitter. Criteria: Myriad Autosomal Dominant, Autosomal Recessive and X-Linked Classification Criteria (2023). Collection method: clinical testing. Allele origin: unknown.
Comment: This variant is considered benign. This variant is a silent/synonymous amino acid change and it is not expected to impact splicing.

Labcorp Genetics (formerly Invitae), Labcorp
Classification: Likely benign for Gastrointestinal stromal tumor. Last evaluated: 2025-11-24. Review status: criteria provided, single submitter. Criteria: Invitae Variant Classification Sherloc (09022015). Collection method: clinical testing. Allele origin: germline.

Ambry Genetics
Classification: Likely benign for Hereditary cancer-predisposing syndrome. Last evaluated: 2020-01-10. Review status: criteria provided, single submitter. Criteria: Ambry Variant Classification Scheme 2023. Collection method: clinical testing. Allele origin: germline.